The following is an entry in ClinVar:

NM_000203.5(IDUA):c.539G>C (p.Trp180Ser)

Gene: IDUA (alpha-L-iduronidase; plus strand). Cytogenetic location: 4p16.3.
Variant type: single nucleotide variant.
Coding change: c.539G>C on transcript NM_000203.5 (MANE Select); coding-DNA position 539, G replaced by C.
Protein change: p.Trp180Ser; replaces tryptophan 180 with serine.
Molecular consequence: missense variant. On other transcripts: non-coding transcript variant (1).
Genome position (GRCh38, 1-based): chr4:1,001,513, G>C. VCF-style: chr4-1001513-G-C. GRCh37 (hg19) VCF-style: chr4-995301-G-C.
Other names: NM_000203.5(IDUA):c.539G>C; p.Trp180Ser; c.143G>C, p.Trp48Ser (NM_001363576.1); short protein forms W180S, W48S.
Identifiers: ClinVar variation 1021968 (VCV001021968.11), dbSNP rs1044231895, ClinGen allele CA91167249.

ClinVar aggregate classification (germline): Likely pathogenic. Review status: reviewed by expert panel (3 of 4 stars). 3 submissions from 3 submitters: Likely pathogenic (1). 2 of the submissions do not count toward it. Last evaluated 2025-05-07.

Conditions:
Mucopolysaccharidosis type 1. Also called: IDUA deficiency; MPS I; Mucopolysaccharidosis Type I. Identifiers: Orphanet 579, MedGen C0023786, MONDO:0001586.

Allele frequency attached by ClinVar (database versions not stated): TOPMed below 0.00001; gnomAD 0.00001.
gnomAD v4.1: 1 of 1,613,110 alleles (0.000062%); highest among the groups gnomAD compares: Admixed American, 0.0017%; no homozygotes.

Submissions (3):

ClinGen Lysosomal Storage Disorder Variant Curation Expert Panel
Classification: Likely pathogenic for Mucopolysaccharidosis type 1. Last evaluated: 2025-05-07. Review status: reviewed by expert panel. Criteria: ClinGen LSD ACMG Specifications IDUA V1.0.0. Collection method: curation. Allele origin: germline. Inheritance: Autosomal recessive inheritance.
Comment: NM_000203.5:c.539G>C IDUA variant is a missense variant predicted to cause substitution of tryptophan by serine at amino acid 180 (p.Trp180Ser). This variant has been detected in at least four probands with MPS I. Of these individuals, three are compound heterozygous for the variant and another variant in IDUA that has been classified as pathogenic or likely pathogenic for MPS I by the ClinGen LD VCEP; all phase unconfirmed. The second variant was either c.46_57del (p.Ser16_Ala19del) (P by LD VCEP, Clinical Lab, 0.5 points), c.1861C>T (p.Arg621Ter) (LP by LD VCEP, Clinical Lab, 0.25 points), or c.1205G>A (p.Trp402Ter) (P by LD VCEP, PMID: 22976768, 25098213, possibly the same patient in both publications, 0.5 points). One individual is homozygous for the variant (Clinical Lab, 0.5 points). Total 1.75 points (PM3). At least one proband had reported deficiency of IDUA enzyme activity, and urinary dermatan and heparan sulfate elevation above normal range (PMID: 25098213; PMID: 22976768, Clinical Lab) (PP4). The highest population minor allele frequency in Genomes gnomAD v4.1.0 is 0.00001666 (1/60010 alleles) in the Admixed American population, which is lower than the ClinGen Lysosomal Diseases VCEP’s threshold for PM2_Supporting (<0.00025) (PM2_Supporting). The computational predictor REVEL gives a score of 0.959 which is above the threshold of 0.773, evidence that correlates with impact to IDUA function at the moderate level based on the specifications of the ClinGen Lysosomal Diseases VCEP (PMID: 36413997) (PP3_Moderate). There is a ClinVar entry for this variant (Variation ID:1021968). In summary, this variant meets the criteria to be classified as Likely Pathogenic for Mucopolysaccharidosis type I. IDUA-specific ACMG/AMP criteria met, based on the specifications of the ClinGen Lysosomal Diseases VCEP (Specifications Version 1.0.0.): PM3, PP3_moderate, PP4, PM2_Supporting. (Classification approved by the ClinGen Lysosomal Diseases Variant Curation Expert Panel on May 7, 2025)

Myriad Genetics, Inc.
Classification: Likely pathogenic for Mucopolysaccharidosis type 1. Last evaluated: 2026-03-26. Review status: criteria provided, single submitter. Criteria: Myriad Autosomal Dominant, Autosomal Recessive and X-Linked Classification Criteria (2023). Collection method: clinical testing. Allele origin: unknown. Not counted in ClinVar's aggregate classification.
Comment: NM_000203.3(IDUA):c.539G>C(W180S) is a missense variant classified as likely pathogenic in the context of mucopolysaccharidosis type I. W180S has been observed in cases with relevant disease (PMID: 25098213, 22976768). Relevant functional assessments of this variant are not available in the literature. W180S has not been observed in referenced population frequency databases. In summary, NM_000203.3(IDUA):c.539G>C(W180S) is a missense variant that has been observed more frequently in cases with the relevant disease than in healthy populations. Please note: this variant was assessed in the context of healthy population screening.

Labcorp Genetics (formerly Invitae), Labcorp
Classification: Likely pathogenic for Mucopolysaccharidosis type 1. Last evaluated: 2024-07-12. Review status: criteria provided, single submitter. Criteria: Invitae Variant Classification Sherloc (09022015). Collection method: clinical testing. Allele origin: germline. Not counted in ClinVar's aggregate classification.
Comment: This sequence change replaces tryptophan, which is neutral and slightly polar, with serine, which is neutral and polar, at codon 180 of the IDUA protein (p.Trp180Ser). This variant is not present in population databases (gnomAD no frequency). This missense change has been observed in individuals with mucopolysaccharidosis type I (PMID: 22976768). ClinVar contains an entry for this variant (Variation ID: 1021968). Advanced modeling of protein sequence and biophysical properties (such as structural, functional, and spatial information, amino acid conservation, physicochemical variation, residue mobility, and thermodynamic stability) performed at Invitae indicates that this missense variant is expected to disrupt IDUA protein function with a positive predictive value of 95%. In summary, the currently available evidence indicates that the variant is pathogenic, but additional data are needed to prove that conclusively. Therefore, this variant has been classified as Likely Pathogenic.

Literature cited by the submitters: PubMed 22976768 (cited by Myriad Genetics, Inc. and Labcorp Genetics (formerly Invitae), Labcorp); PubMed 25098213 (cited by Myriad Genetics, Inc.).